The following is an entry in ClinVar:

NM_000642.3(AGL):c.2137G>A (p.Gly713Arg)

Gene: AGL (amylo-alpha-1,6-glucosidase and 4-alpha-glucanotransferase; plus strand). Cytogenetic location: 1p21.2.
Variant type: single nucleotide variant.
Coding change: c.2137G>A on transcript NM_000642.3 (MANE Select); coding-DNA position 2137, G replaced by A.
Protein change: p.Gly713Arg; replaces glycine 713 with arginine.
Molecular consequence: missense variant.
Genome position (GRCh38, 1-based): chr1:99,881,427, G>A. VCF-style: chr1-99881427-G-A. GRCh37 (hg19) VCF-style: chr1-100346983-G-A.
Other names: c.2137G>A, p.Gly713Arg (NM_000028.3, NM_000643.3, NM_000644.3 and 2 more transcripts); c.2089G>A, p.Gly697Arg (NM_000646.3); c.1936G>A, p.Gly646Arg (NM_001425327.1); c.1933G>A, p.Gly645Arg (NM_001425328.1, NM_001425329.1); c.1759G>A, p.Gly587Arg (NM_001425332.1); short protein forms G697R, G713R, G587R, G645R, G646R.
Identifiers: ClinVar variation 648075 (VCV000648075.5), dbSNP rs763281839, ClinGen allele CA966696.

ClinVar aggregate classification (germline): Uncertain significance (1 of 4 stars; one submission).

Conditions:
Glycogen storage disease type III (GSD3). Also called: Cori disease; FORBES DISEASE. Identifiers: Orphanet 366, MedGen C0017922, MONDO:0009291, OMIM 232400.

Allele frequency attached by ClinVar (database versions not stated): gnomAD exomes below 0.00001; ExAC 0.00001.
gnomAD v4.1: 1 of 1,614,076 alleles (0.000062%); highest among the groups gnomAD compares: Non-Finnish European, 0.000085%; no homozygotes.

Submission:

Labcorp Genetics (formerly Invitae), Labcorp
Classification: Uncertain significance for Glycogen storage disease type III. Last evaluated: 2021-09-29. Review status: criteria provided, single submitter. Criteria: Invitae Variant Classification Sherloc (09022015). Collection method: clinical testing. Allele origin: germline.
Comment: Algorithms developed to predict the effect of missense changes on protein structure and function are either unavailable or do not agree on the potential impact of this missense change (SIFT: "Deleterious"; PolyPhen-2: "Possibly Damaging"; Align-GVGD: "Class C0"). This variant has not been reported in the literature in individuals affected with AGL-related conditions. This variant is present in population databases (rs763281839, ExAC 0.001%). This sequence change replaces glycine with arginine at codon 713 of the AGL protein (p.Gly713Arg). The glycine residue is moderately conserved and there is a moderate physicochemical difference between glycine and arginine. In summary, the available evidence is currently insufficient to determine the role of this variant in disease. Therefore, it has been classified as a Variant of Uncertain Significance.